The following is an entry in ClinVar:

NM_014855.3(AP5Z1):c.1523C>G (p.Ala508Gly)

Gene: AP5Z1 (adaptor related protein complex 5 subunit zeta 1; plus strand). Cytogenetic location: 7p22.1.
Variant type: single nucleotide variant.
Coding change: c.1523C>G on transcript NM_014855.3 (MANE Select); coding-DNA position 1523, C replaced by G.
Protein change: p.Ala508Gly; replaces alanine 508 with glycine.
Molecular consequence: missense variant. On other transcripts: non-coding transcript variant (1).
Genome position (GRCh38, 1-based): chr7:4,788,222, C>G. VCF-style: chr7-4788222-C-G. GRCh37 (hg19) VCF-style: chr7-4827853-C-G.
Other names: c.1055C>G, p.Ala352Gly (NM_001364858.1); short protein forms A508G, A352G.
Identifiers: ClinVar variation 970821 (VCV000970821.11), dbSNP rs370879999, ClinGen allele CA4137850.

ClinVar aggregate classification (germline): Conflicting classifications of pathogenicity. Review status: criteria provided, conflicting classifications (1 of 4 stars). 3 submissions from 3 submitters: Uncertain significance (2); Likely benign (1). Last evaluated 2025-12-26.

Conditions:
Inborn genetic diseases. Identifiers: MedGen C0950123, MeSH D030342.
Hereditary spastic paraplegia 48. Also called: Spastic paraplegia 48; SPASTIC PARAPLEGIA 48, AUTOSOMAL RECESSIVE. Identifiers: Orphanet 306511, MedGen C3150901, MONDO:0013342, OMIM 613647.

Allele frequency attached by ClinVar (database versions not stated): ESP Exome Variant Server 0.00050; 1000 Genomes Project 0.00060; TOPMed 0.00077; 1000 Genomes Project 30x 0.00078.
gnomAD v4.1: 203 of 1,570,994 alleles (0.013%); highest among the groups gnomAD compares: African/African-American, 0.25%; 1 homozygote.

Submissions (3):

Labcorp Genetics (formerly Invitae), Labcorp
Classification: Uncertain significance for Hereditary spastic paraplegia 48. Last evaluated: 2025-12-26. Review status: criteria provided, single submitter. Criteria: Invitae Variant Classification Sherloc (09022015). Collection method: clinical testing. Allele origin: germline.
Comment: This sequence change replaces alanine, which is neutral and non-polar, with glycine, which is neutral and non-polar, at codon 508 of the AP5Z1 protein (p.Ala508Gly). This variant is present in population databases (rs370879999, gnomAD 0.2%). This variant has not been reported in the literature in individuals affected with AP5Z1-related conditions. ClinVar contains an entry for this variant (Variation ID: 970821). Invitae Evidence Modeling of protein sequence and biophysical properties (such as structural, functional, and spatial information, amino acid conservation, physicochemical variation, residue mobility, and thermodynamic stability) indicates that this missense variant is not expected to disrupt AP5Z1 protein function with a negative predictive value of 80%. In summary, the available evidence is currently insufficient to determine the role of this variant in disease. Therefore, it has been classified as a Variant of Uncertain Significance.

GeneDx
Classification: Uncertain significance. Last evaluated: 2025-11-13. Review status: criteria provided, single submitter. Criteria: GeneDx Variant Classification Process June 2021. Collection method: clinical testing. Allele origin: germline. Affected: yes.
Comment: In silico analysis suggests that this missense variant does not alter protein structure/function; Has not been previously published as pathogenic or benign to our knowledge

Ambry Genetics
Classification: Likely benign for Inborn genetic diseases. Last evaluated: 2023-11-13. Review status: criteria provided, single submitter. Criteria: Ambry Variant Classification Scheme 2023. Collection method: clinical testing. Allele origin: germline.